The following is an entry in ClinVar:

ClinVar aggregate classification (germline): Uncertain significance (1 of 4 stars; one submission).

Submission:

CeGaT Center for Human Genetics Tuebingen
Classification: Uncertain significance. Last evaluated: 2025-04-01. Review status: criteria provided, single submitter. Criteria: CeGaT Center For Human Genetics Tuebingen Variant Classification Criteria Version 2. Collection method: clinical testing. Allele origin: germline. Affected: yes. Observed: 1 variant allele.
Comment: SCN3A: PM2, PVS1:Moderate

NM_006922.4(SCN3A):c.2019+1G>A

Gene: SCN3A (sodium voltage-gated channel alpha subunit 3; minus strand). Cytogenetic location: 2q24.3.
Variant type: single nucleotide variant.
Coding change: c.2019+1G>A on transcript NM_006922.4 (MANE Select); the canonical splice donor site of the intron after coding-DNA position 2019, G replaced by A.
Molecular consequence: splice donor variant. On other transcripts: intron variant (2).
Genome position (GRCh38, 1-based): chr2:165,140,650, C>T on the plus strand (G>A on the coding strand, the complement: SCN3A is on the minus strand). VCF-style: chr2-165140650-C-T. GRCh37 (hg19) VCF-style: chr2-165997160-C-T.
Other names: c.1872+148G>A (NM_001081676.2, NM_001081677.2).
Identifiers: ClinVar variation 3898619 (VCV003898619.7).